The following is an entry in ClinVar:

NM_003701.4(TNFSF11):c.850C>T (p.Arg284Trp)

Gene: TNFSF11 (TNF superfamily member 11; plus strand). Cytogenetic location: 13q14.11.
Variant type: single nucleotide variant.
Coding change: c.850C>T on transcript NM_003701.4 (MANE Select); coding-DNA position 850, C replaced by T.
Protein change: p.Arg284Trp; replaces arginine 284 with tryptophan.
Molecular consequence: missense variant.
Genome position (GRCh38, 1-based): chr13:42,606,814, C>T. VCF-style: chr13-42606814-C-T. GRCh37 (hg19) VCF-style: chr13-43180950-C-T.
Other names: c.631C>T, p.Arg211Trp (NM_033012.4); short protein forms R284W, R211W.
Identifiers: ClinVar variation 1369375 (VCV001369375.3), dbSNP rs150392469, ClinGen allele CA6967307.
Genomic context (GRCh38, chr13:42,606,814, plus strand): 5'-TGGTCAGGGAATTCTGAATTCCATTTTTATTCCATAAACGTTGGTGGATTTTTTAAGTTA[C>T]GGTCTGGAGAGGAAATCAGCATCGAGGTCTCCAACCCCTCCTTACTGGATCCGGATCAGG-3'
Protein context (NP_003692.1, residues 274-294): SINVGGFFKL[Arg284Trp]SGEEISIEVS

ClinVar aggregate classification (germline): Uncertain significance (1 of 4 stars; one submission).

Allele frequency attached by ClinVar (database versions not stated): ExAC 0.00003; gnomAD 0.00003; TOPMed 0.00003; gnomAD exomes 0.00006 and 0.00015; ESP Exome Variant Server 0.00008.
gnomAD v4.1: 217 of 1,613,242 alleles (0.013%); highest among the groups gnomAD compares: Non-Finnish European, 0.018%; no homozygotes.

Submission:

Labcorp Genetics (formerly Invitae), Labcorp
Classification: Uncertain significance. Last evaluated: 2022-08-21. Review status: criteria provided, single submitter. Criteria: Invitae Variant Classification Sherloc (09022015). Collection method: clinical testing. Allele origin: germline.
Comment: This sequence change replaces arginine, which is basic and polar, with tryptophan, which is neutral and slightly polar, at codon 284 of the TNFSF11 protein (p.Arg284Trp). This variant is present in population databases (rs150392469, gnomAD 0.01%). This variant has not been reported in the literature in individuals affected with TNFSF11-related conditions. ClinVar contains an entry for this variant (Variation ID: 1369375). Algorithms developed to predict the effect of missense changes on protein structure and function are either unavailable or do not agree on the potential impact of this missense change (SIFT: "Deleterious"; PolyPhen-2: "Probably Damaging"; Align-GVGD: "Class C15"). In summary, the available evidence is currently insufficient to determine the role of this variant in disease. Therefore, it has been classified as a Variant of Uncertain Significance.